The following is an entry in ClinVar:

NM_001105206.3(LAMA4):c.3029C>G (p.Thr1010Ser)

Gene: LAMA4 (laminin subunit alpha 4; minus strand). Cytogenetic location: 6q21.
Variant type: single nucleotide variant.
Coding change: c.3029C>G on transcript NM_001105206.3 (MANE Select); coding-DNA position 3029, C replaced by G.
Protein change: p.Thr1010Ser; replaces threonine 1010 with serine.
Molecular consequence: missense variant.
Genome position (GRCh38, 1-based): chr6:112,139,833, G>C on the plus strand (C>G on the coding strand, the complement: LAMA4 is on the minus strand). VCF-style: chr6-112139833-G-C. GRCh37 (hg19) VCF-style: chr6-112461035-G-C.
Other names: c.3008C>G, p.Thr1003Ser (NM_002290.5, NM_001105207.3); short protein forms T1003S, T1010S.
Identifiers: ClinVar variation 4859088 (VCV004859088.1).

ClinVar aggregate classification (germline): Uncertain significance (1 of 4 stars; one submission).

Conditions:
Cardiovascular phenotype. Identifiers: MedGen CN230736.

Submission:

Ambry Genetics
Classification: Uncertain significance for Cardiovascular phenotype. Last evaluated: 2026-04-14. Review status: criteria provided, single submitter. Criteria: Ambry Variant Classification Scheme 2023. Collection method: clinical testing. Allele origin: germline.
Comment: The p.T1003S variant (also known as c.3008C>G), located in coding exon 22 of the LAMA4 gene, results from a C to G substitution at nucleotide position 3008. The threonine at codon 1003 is replaced by serine, an amino acid with similar properties. This amino acid position is well conserved in available vertebrate species. In addition, the in silico prediction for this alteration is inconclusive. The evidence for this gene-disease relationship is limited; therefore, the clinical significance of this variant is unclear.